The following is an entry in ClinVar:

NM_001385682.1(MAP4):c.6726G>A (p.Leu2242=)

Gene: MAP4 (microtubule associated protein 4; minus strand). Cytogenetic location: 3p21.31.
Variant type: single nucleotide variant.
Coding change: c.6726G>A on transcript NM_001385682.1 (MANE Select); coding-DNA position 6726, G replaced by A.
Protein change: p.Leu2242=; no amino-acid change (leucine 2242 retained).
Molecular consequence: synonymous variant. On other transcripts: intron variant (3).
Genome position (GRCh38, 1-based): chr3:47,853,323, C>T on the plus strand (G>A on the coding strand, the complement: MAP4 is on the minus strand). VCF-style: chr3-47853323-C-T. GRCh37 (hg19) VCF-style: chr3-47894813-C-T.
Other names: c.3177G>A, p.Leu1059= (NM_001384832.1, NM_001384876.1, NM_001385677.1 and 3 more transcripts); c.3201G>A, p.Leu1067= (NM_001384834.1, NM_001384892.1); c.1398G>A, p.Leu466= (NM_001384835.1); c.3168G>A, p.Leu1056= (NM_001384836.1, NM_001384863.1, NM_001384868.1); c.3123G>A, p.Leu1041= (NM_001384837.1); c.3264G>A, p.Leu1088= (NM_001384838.1); c.2970G>A, p.Leu990= (NM_001384839.1, NM_001384857.1, NM_001384867.1 and 1 more transcripts); c.2961G>A, p.Leu987= (NM_001384840.1, NM_001384851.1, NM_001384859.1 and 4 more transcripts); and 70 more.
Identifiers: ClinVar variation 3039620 (VCV003039620.2), dbSNP rs2047603997, ClinGen allele CA433609713.

ClinVar aggregate classification (germline): Likely benign (0 of 4 stars; one submission).

Conditions:
MAP4-related disorder. Also called: MAP4-related condition.

Allele frequency attached by ClinVar (database versions not stated): TOPMed 0.00001.

Submission:

PreventionGenetics, part of Exact Sciences
Classification: Likely benign for MAP4-related condition. Last evaluated: 2019-05-24. Review status: no assertion criteria provided. Collection method: clinical testing. Allele origin: germline.
Comment: This variant is classified as likely benign based on ACMG/AMP sequence variant interpretation guidelines (Richards et al. 2015 PMID: 25741868, with internal and published modifications).